The following is an entry in ClinVar:

NM_001211.6(BUB1B):c.298A>T (p.Thr100Ser)

Gene: BUB1B (BUB1 mitotic checkpoint serine/threonine kinase B; plus strand). Cytogenetic location: 15q15.1.
Variant type: single nucleotide variant.
Coding change: c.298A>T on transcript NM_001211.6 (MANE Select); coding-DNA position 298, A replaced by T.
Protein change: p.Thr100Ser; replaces threonine 100 with serine.
Molecular consequence: missense variant.
Genome position (GRCh38, 1-based): chr15:40,170,595, A>T. VCF-style: chr15-40170595-A-T. GRCh37 (hg19) VCF-style: chr15-40462796-A-T.
Other names: short protein forms T100S.
Identifiers: ClinVar variation 2624684 (VCV002624684.2), dbSNP rs2037150421, ClinGen allele CA391679096.

ClinVar aggregate classification (germline): Uncertain significance (1 of 4 stars; one submission).

Conditions:
Inborn genetic diseases. Identifiers: MedGen C0950123, MeSH D030342.

gnomAD v4.1: 5 of 1,612,992 alleles (0.00031%); highest among the groups gnomAD compares: Non-Finnish European, 0.00042%; no homozygotes.

Submission:

Ambry Genetics
Classification: Uncertain significance for Inborn genetic diseases. Last evaluated: 2023-07-05. Review status: criteria provided, single submitter. Criteria: Ambry Variant Classification Scheme 2023. Collection method: clinical testing. Allele origin: germline.
Comment: The p.T100S variant (also known as c.298A>T), located in coding exon 4 of the BUB1B gene, results from an A to T substitution at nucleotide position 298. The threonine at codon 100 is replaced by serine, an amino acid with similar properties. This amino acid position is conserved. In addition, this alteration is predicted to be tolerated by in silico analysis. Since supporting evidence is limited at this time, the clinical significance of this alteration remains unclear.